The following is an entry in ClinVar:

NM_024675.4(PALB2):c.787G>T (p.Glu263Ter)

Gene: PALB2 (partner and localizer of BRCA2; minus strand). Cytogenetic location: 16p12.2.
Variant type: single nucleotide variant.
Coding change: c.787G>T on transcript NM_024675.4 (MANE Select); coding-DNA position 787, G replaced by T.
Protein change: p.Glu263Ter; replaces glutamic acid 263 with a stop codon.
Molecular consequence: nonsense.
Genome position (GRCh38, 1-based): chr16:23,635,759, C>A on the plus strand (G>T on the coding strand, the complement: PALB2 is on the minus strand). VCF-style: chr16-23635759-C-A. GRCh37 (hg19) VCF-style: chr16-23647080-C-A.
Other names: c.787G>T (NM_024675.3); short protein forms E263*.
Identifiers: ClinVar variation 1392941 (VCV001392941.11), dbSNP rs2142434483, ClinGen allele CA395136048.

ClinVar aggregate classification (germline): Pathogenic/Likely pathogenic. Review status: criteria provided, multiple submitters, no conflicts (2 of 4 stars). 3 submissions from 3 submitters: Pathogenic (2); Likely pathogenic (1). Last evaluated 2025-02-14.

Conditions:
PALB2-related disorder. Also called: PALB2-related condition; PALB2-related disorders.
Hereditary cancer-predisposing syndrome. Also called: Tumor predisposition; Hereditary neoplastic syndrome; Neoplastic Syndromes, Hereditary; Hereditary Cancer Syndrome. Identifiers: Orphanet 140162, MedGen C0027672, MeSH D009386, MONDO:0015356.
Familial cancer of breast. Also called: BREAST CANCER, FAMILIAL; Hereditary breast cancer; hereditary breast carcinoma. Identifiers: Orphanet 227535, MedGen C0346153, MONDO:0016419, OMIM 114480. Disease mechanism: loss of function.

Submissions (3):

Ambry Genetics
Classification: Pathogenic for Hereditary cancer-predisposing syndrome. Last evaluated: 2025-02-14. Review status: criteria provided, single submitter. Criteria: Ambry Variant Classification Scheme 2023. Collection method: clinical testing. Allele origin: germline.
Comment: The p.E263* pathogenic mutation (also known as c.787G>T), located in coding exon 4 of the PALB2 gene, results from a G to T substitution at nucleotide position 787. This changes the amino acid from a glutamic acid to a stop codon within coding exon 4. This variant is considered to be rare based on population cohorts in the Genome Aggregation Database (gnomAD). This alteration is expected to result in loss of function by premature protein truncation or nonsense-mediated mRNA decay. As such, this alteration is interpreted as a disease-causing mutation.

Blueprint Genetics
Classification: Likely pathogenic for PALB2-related disorders. Last evaluated: 2023-06-13. Review status: criteria provided, single submitter. Criteria: ACMG Guidelines, 2015. Collection method: clinical testing. Allele origin: germline. Affected: yes. Observed: 1 variant allele.

Labcorp Genetics (formerly Invitae), Labcorp
Classification: Pathogenic for Familial cancer of breast. Last evaluated: 2022-09-12. Review status: criteria provided, single submitter. Criteria: Invitae Variant Classification Sherloc (09022015). Collection method: clinical testing. Allele origin: germline.
Comment: For these reasons, this variant has been classified as Pathogenic. ClinVar contains an entry for this variant (Variation ID: 1392941). This premature translational stop signal has been observed in individual(s) with breast cancer (PMID: 28724667). This variant is not present in population databases (gnomAD no frequency). This sequence change creates a premature translational stop signal (p.Glu263*) in the PALB2 gene. It is expected to result in an absent or disrupted protein product. Loss-of-function variants in PALB2 are known to be pathogenic (PMID: 17200668, 17200671, 17200672, 24136930, 25099575).

Literature cited by the submitters: PubMed 28724667 (cited by Labcorp Genetics (formerly Invitae), Labcorp); PubMed 17200668 (cited by Labcorp Genetics (formerly Invitae), Labcorp); PubMed 17200671 (cited by Labcorp Genetics (formerly Invitae), Labcorp); PubMed 17200672 (cited by Labcorp Genetics (formerly Invitae), Labcorp); PubMed 24136930 (cited by Labcorp Genetics (formerly Invitae), Labcorp); PubMed 25099575 (cited by Labcorp Genetics (formerly Invitae), Labcorp).